The following is an entry in ClinVar:

NM_000059.4(BRCA2):c.5429T>C (p.Val1810Ala)

Gene: BRCA2 (BRCA2 DNA repair associated; plus strand). Cytogenetic location: 13q13.1.
Variant type: single nucleotide variant.
Coding change: c.5429T>C on transcript NM_000059.4 (MANE Select); coding-DNA position 5429, T replaced by C.
Protein change: p.Val1810Ala; replaces valine 1810 with alanine.
Molecular consequence: missense variant.
Genome position (GRCh38, 1-based): chr13:32,339,784, T>C. VCF-style: chr13-32339784-T-C. GRCh37 (hg19) VCF-style: chr13-32913921-T-C.
Other names: c.5429T>C, p.Val1810Ala (NM_001406719.1, NM_001406720.1); short protein forms V1810A.
Identifiers: ClinVar variation 1747479 (VCV001747479.4), dbSNP rs2137517448, ClinGen allele CA387785471.

ClinVar aggregate classification (germline): Conflicting classifications of pathogenicity. Review status: criteria provided, conflicting classifications (1 of 4 stars). 2 submissions from 2 submitters: Uncertain significance (1); Likely benign (1). Last evaluated 2023-03-23.

Conditions:
Hereditary cancer-predisposing syndrome. Also called: Hereditary Cancer Syndrome; Neoplastic Syndromes, Hereditary; Tumor predisposition; Hereditary neoplastic syndrome. Identifiers: Orphanet 140162, MedGen C0027672, MeSH D009386, MONDO:0015356.

Submissions (2):

University of Washington Department of Laboratory Medicine, University of Washington
Classification: Likely benign for Hereditary cancer-predisposing syndrome. Last evaluated: 2023-03-23. Review status: criteria provided, single submitter. Criteria: Dines et al. (Genet Med. 2020). Collection method: curation. Allele origin: germline.
Comment: Missense variant in a coldspot region where missense variants are very unlikely to be pathogenic (PMID:31911673).

BRCA2 exon 11 coldspot. Reclassification based on statistical prior probability.

Ambry Genetics
Classification: Uncertain significance for Hereditary cancer-predisposing syndrome. Last evaluated: 2020-10-05. Review status: criteria provided, single submitter. Criteria: Ambry Variant Classification Scheme 2023. Collection method: clinical testing. Allele origin: germline.
Comment: The p.V1810A variant (also known as c.5429T>C), located in coding exon 10 of the BRCA2 gene, results from a T to C substitution at nucleotide position 5429. The valine at codon 1810 is replaced by alanine, an amino acid with similar properties. This amino acid position is not well conserved in available vertebrate species. In addition, this alteration is predicted to be tolerated by in silico analysis. Since supporting evidence is limited at this time, the clinical significance of this alteration remains unclear.